The following is an entry in ClinVar:

ClinVar aggregate classification (germline): Uncertain significance. Review status: criteria provided, multiple submitters, no conflicts (2 of 4 stars). 2 submissions from 2 submitters: Uncertain significance (2). Last evaluated 2020-08-28.

Conditions:
Cardiovascular phenotype. Identifiers: MedGen CN230736.

Submissions (2):

Blueprint Genetics
Classification: Uncertain significance. Last evaluated: 2020-08-28. Review status: criteria provided, single submitter. Criteria: ACMG Guidelines, 2015. Collection method: clinical testing. Allele origin: germline.

Ambry Genetics
Classification: Uncertain significance for Cardiovascular phenotype. Last evaluated: 2018-01-29. Review status: criteria provided, single submitter. Criteria: Ambry Variant Classification Scheme 2023. Collection method: clinical testing. Allele origin: germline.
Comment: The p.M1174I variant (also known as c.3522G>A), located in coding exon 29 of the RYR2 gene, results from a G to A substitution at nucleotide position 3522. The methionine at codon 1174 is replaced by isoleucine, an amino acid with highly similar properties. This variant has been detected in an exome cohort; however, clinical details were not provided (Landstrom AP et al. Circ Arrhythm Electrophysiol. 2017 Apr;10:e004742). This amino acid position is well conserved in available vertebrate species. In addition, this alteration is predicted to be tolerated by in silico analysis. Since supporting evidence is limited at this time, the clinical significance of this alteration remains unclear.

Literature cited by the submitters: PubMed 28404607 (cited by Ambry Genetics).

NM_001035.3(RYR2):c.3522G>A (p.Met1174Ile)

Gene: RYR2 (ryanodine receptor 2; plus strand). Cytogenetic location: 1q43.
Variant type: single nucleotide variant.
Coding change: c.3522G>A on transcript NM_001035.3 (MANE Select); coding-DNA position 3522, G replaced by A.
Protein change: p.Met1174Ile; replaces methionine 1174 with isoleucine.
Molecular consequence: missense variant.
Genome position (GRCh38, 1-based): chr1:237,569,243, G>A. VCF-style: chr1-237569243-G-A. GRCh37 (hg19) VCF-style: chr1-237732543-G-A.
Other names: short protein forms M1174I.
Identifiers: ClinVar variation 1732282 (VCV001732282.3), dbSNP rs2148275913, ClinGen allele CA345390465.